The following is an entry in ClinVar:

NM_006946.4(SPTBN2):c.4960A>G (p.Met1654Val)

Gene: SPTBN2 (spectrin beta, non-erythrocytic 2; minus strand). Cytogenetic location: 11q13.2.
Variant type: single nucleotide variant.
Coding change: c.4960A>G on transcript NM_006946.4 (MANE Select); coding-DNA position 4960, A replaced by G.
Protein change: p.Met1654Val; replaces methionine 1654 with valine.
Molecular consequence: missense variant.
Genome position (GRCh38, 1-based): chr11:66,692,995, T>C on the plus strand (A>G on the coding strand, the complement: SPTBN2 is on the minus strand). VCF-style: chr11-66692995-T-C. GRCh37 (hg19) VCF-style: chr11-66460466-T-C.
Other names: short protein forms M1654V.
Identifiers: ClinVar variation 586484 (VCV000586484.3), dbSNP rs1258204858, ClinGen allele CA381468440.

ClinVar aggregate classification (germline): Uncertain significance. Review status: criteria provided, multiple submitters, no conflicts (2 of 4 stars). 2 submissions from 2 submitters: Uncertain significance (2). Last evaluated 2020-04-04.

Allele frequency attached by ClinVar (database versions not stated): gnomAD exomes below 0.00001 and 0.00001; gnomAD 0.00001.

Submissions (2):

Laboratorio de Genetica e Diagnostico Molecular, Hospital Israelita Albert Einstein
Classification: Uncertain significance. Last evaluated: 2020-04-04. Review status: criteria provided, single submitter. Criteria: ACMG Guidelines, 2015. Collection method: clinical testing. Allele origin: germline. Affected: yes.
Comment: ACMG classification criteria: PM2, PP3

Athena Diagnostics
Classification: Uncertain significance. Last evaluated: 2018-02-12. Review status: criteria provided, single submitter. Criteria: Athena Diagnostics Criteria. Collection method: clinical testing. Allele origin: germline.